The following is an entry in ClinVar:

NM_000051.4(ATM):c.*371A>G

Genes: ATM (ATM serine/threonine kinase; plus strand), C11orf65 (chromosome 11 open reading frame 65; minus strand). Cytogenetic location: 11q22.3.
Variant type: single nucleotide variant.
Coding change: c.*371A>G on transcript NM_000051.4 (MANE Select); 371 bases downstream of the stop codon, A replaced by G.
Molecular consequence: 3 prime UTR variant. On other transcripts: intron variant (2).
Genome position (GRCh38, 1-based): chr11:108,365,879, A>G. VCF-style: chr11-108365879-A-G. GRCh37 (hg19) VCF-style: chr11-108236606-A-G.
Other names: c.*371A>G (NM_001351834.2); c.640+20041T>C (NM_001330368.2); c.694+20041T>C (NM_001351110.2).
Identifiers: ClinVar variation 302259 (VCV000302259.7), dbSNP rs3092835, ClinGen allele CA10633322.

ClinVar aggregate classification (germline): Benign (1 of 4 stars; one submission).

Conditions:
Ataxia-telangiectasia syndrome (AT). Also called: Ataxia telangiectasia (A-T); Cerebello-oculocutaneous telangiectasia; Immunodeficiency with ataxia telangiectasia; LOUIS-BAR SYNDROME; AT, COMPLEMENTATION GROUP C; ATAXIA-TELANGIECTASIA, FRESNO VARIANT. Identifiers: Orphanet 100, MedGen C0004135, MONDO:0008840, OMIM 208900.

Allele frequency attached by ClinVar (database versions not stated): 1000 Genomes Project 0.01897; 1000 Genomes Project 30x 0.01999; TOPMed 0.01555; gnomAD 0.01406 and 0.01507.
gnomAD v4.1: 2,225 of 214,320 alleles (1%); highest among the groups gnomAD compares: African/African-American, 4.8%; 50 homozygotes.

Submission:

Illumina Laboratory Services, Illumina
Classification: Benign for Ataxia-telangiectasia syndrome. Last evaluated: 2018-01-12. Review status: criteria provided, single submitter. Criteria: ICSL Variant Classification Criteria 13 December 2019. Collection method: clinical testing. Allele origin: germline.
Comment: This variant was observed in the ICSL laboratory as part of a predisposition screen in an ostensibly healthy population. It had not been previously curated by ICSL or reported in the Human Gene Mutation Database (HGMD: prior to June 1st, 2018), and was therefore a candidate for classification through an automated scoring system. Utilizing variant allele frequency, disease prevalence and penetrance estimates, and inheritance mode, an automated score was calculated to assess if this variant is too frequent to cause the disease. Based on the score and internal cut-off values, a variant classified as benign is not then subjected to further curation. The score for this variant resulted in a classification of benign for this disease.